The following is an entry in ClinVar:

NM_001267550.2(TTN):c.45175G>A (p.Ala15059Thr)

Genes: TTN (titin; minus strand), LOC126806427 (BRD4-independent group 4 enhancer GRCh37_chr2:179485777-179486976; plus strand). Cytogenetic location: 2q31.2.
Variant type: single nucleotide variant.
Coding change: c.45175G>A on transcript NM_001267550.2 (MANE Select); coding-DNA position 45175, G replaced by A.
Protein change: p.Ala15059Thr; replaces alanine 15059 with threonine.
Molecular consequence: missense variant.
Genome position (GRCh38, 1-based): chr2:178,621,649, C>T on the plus strand (G>A on the coding strand, the complement: TTN is on the minus strand). VCF-style: chr2-178621649-C-T. GRCh37 (hg19) VCF-style: chr2-179486376-C-T.
Other names: p.A13418T:GCA>ACA; p.Ala13418Thr; c.40252G>A, p.Ala13418Thr (NM_001256850.1); c.17980G>A, p.Ala5994Thr (NM_003319.4); c.37471G>A, p.Ala12491Thr (NM_133378.4); c.18355G>A, p.Ala6119Thr (NM_133432.3); c.18556G>A, p.Ala6186Thr (NM_133437.4); short protein forms A15059T, A12491T, A13418T, A5994T, A6119T, A6186T.
Identifiers: ClinVar variation 46982 (VCV000046982.51), dbSNP rs144668626, ClinGen allele CA139690.
Genomic context (GRCh38, chr2:178,621,649, plus strand): 5'-GTATTTCATATCTTCCTGTTTCAATGATCTCCTCATCCCCTTTATACCAAATCACTTCTG[C>T]GCCAGGTTTGGAGACTTCACAAACCAGTTTTATAGTGTCTGTTTCACTAACTTCAATGTT-3'
Protein context (NP_001254479.2, residues 15049-15069): KLVCEVSKPG[Ala15059Thr]EVIWYKGDEE

ClinVar aggregate classification (germline): Benign/Likely benign. Review status: criteria provided, multiple submitters, no conflicts (2 of 4 stars). 30 submissions from 23 submitters: Benign (17); Likely benign (8). 5 of the submissions do not count toward it. Last evaluated 2026-02-03.

Conditions:
Dilated cardiomyopathy 1G (CMD1G). Identifiers: Orphanet 154, MedGen C1858763, MONDO:0011400, OMIM 604145.
Autosomal recessive limb-girdle muscular dystrophy type 2J (LGMDR10). Also called: MUSCULAR DYSTROPHY, LIMB-GIRDLE, AUTOSOMAL RECESSIVE 10; Limb-girdle muscular dystrophy, type 2J. Identifiers: Orphanet 140922, MedGen C1837342, MONDO:0012127, OMIM 608807.
Cardiovascular phenotype. Identifiers: MedGen CN230736.
Cardiomyopathy (CMYO). Also called: Cardiomyopathies. Identifiers: Orphanet 167848, MedGen C0878544, MONDO:0004994, HP:0001638. Inheritance: Various modes of inheritance.
Early-onset myopathy with fatal cardiomyopathy (CMYO5). Also called: CONGENITAL MYOPATHY 5 WITH CARDIOMYOPATHY; Salih Myopathy. Identifiers: Orphanet 289377, MedGen C2673677, MONDO:0012714, OMIM 611705. Disease mechanism: loss of function.
Tibial muscular dystrophy (TMD). Also called: Udd Distal Myopathy – Tibial Muscular Dystrophy; Tibial muscular dystrophy, tardive; UDD MYOPATHY. Identifiers: Orphanet 609, MedGen C1838244, MONDO:0010870, OMIM 600334.
Myopathy, myofibrillar, 9, with early respiratory failure (MFM9). Also called: Myopathy, distal, with early respiratory failure, autosomal dominant; Hereditary myopathy with early respiratory failure; MYOPATHY, PROXIMAL, WITH EARLY RESPIRATORY MUSCLE INVOLVEMENT; EDSTROM MYOPATHY. Identifiers: Orphanet 178464, Orphanet 34521, MedGen C1863599, MONDO:0011362, OMIM 603689.
Primary dilated cardiomyopathy (DCM). Also called: Dilated Cardiomyopathy. Identifiers: Orphanet 217604, MedGen C0007193, MeSH D002311, MONDO:0005021, HP:0001644. Inheritance: Various modes of inheritance.

Allele frequency attached by ClinVar (database versions not stated): gnomAD 0.00104 and 0.00161; TOPMed 0.00104; ESP Exome Variant Server 0.00150; ExAC 0.00332; 1000 Genomes Project 0.00339; 1000 Genomes Project 30x 0.00359; gnomAD exomes 0.00187 and 0.00291.
gnomAD v4.1: 3,008 of 1,612,382 alleles (0.19%); highest among the groups gnomAD compares: South Asian, 1.6%; 34 homozygotes.

Submissions 1 to 20 of 30:

Labcorp Genetics (formerly Invitae), Labcorp
Classification: Benign for Dilated cardiomyopathy 1G; Autosomal recessive limb-girdle muscular dystrophy type 2J. Last evaluated: 2026-02-03. Review status: criteria provided, single submitter. Criteria: Invitae Variant Classification Sherloc (09022015). Collection method: clinical testing. Allele origin: germline.

Genomic Medicine Center of Excellence, King Faisal Specialist Hospital and Research Centre
Classification: Likely benign. Last evaluated: 2025-08-18. Review status: criteria provided, single submitter. Criteria: ACMG Guidelines, 2015. Collection method: clinical testing. Allele origin: germline.

ARUP Laboratories, Molecular Genetics and Genomics, ARUP Laboratories
Classification: Benign. Last evaluated: 2025-06-23. Review status: criteria provided, single submitter. Criteria: ARUP Molecular Germline Variant Investigation Process 2024. Collection method: clinical testing. Allele origin: germline.

Molecular Diagnostic Laboratory for Inherited Cardiovascular Disease, Montreal Heart Institute
Classification: Benign. Last evaluated: 2025-04-09. Review status: criteria provided, single submitter. Criteria: ACMG Guidelines, 2015. Collection method: clinical testing. Allele origin: germline. Affected: no.

Athena Diagnostics
Classification: Benign. Last evaluated: 2025-01-21. Review status: criteria provided, single submitter. Criteria: Athena Diagnostics Criteria. Collection method: clinical testing. Allele origin: unknown.
Comment: The frequency of this variant in the general population is higher than would generally be expected for pathogenic variants in this gene.

Blueprint Genetics
Classification: Likely benign. Last evaluated: 2024-11-26. Review status: criteria provided, single submitter. Criteria: ACMG Guidelines, 2015. Collection method: clinical testing. Allele origin: germline.

Mayo Clinic Laboratories, Mayo Clinic
Classification: Benign. Last evaluated: 2023-06-16. Review status: criteria provided, single submitter. Criteria: ACMG Guidelines, 2015. Collection method: clinical testing. Allele origin: germline. Observed: 10 variant alleles.
Comment: BS1, BS2

CHEO Genetics Diagnostic Laboratory, Children's Hospital of Eastern Ontario
Classification: Benign for Cardiomyopathy. Last evaluated: 2022-11-18. Review status: criteria provided, single submitter. Criteria: ACMG Guidelines, 2015. Collection method: clinical testing. Allele origin: germline.

Genome-Nilou Lab
Classification: Benign for Autosomal recessive limb-girdle muscular dystrophy type 2J. Last evaluated: 2021-09-10. Review status: criteria provided, single submitter. Criteria: ACMG Guidelines, 2015. Collection method: clinical testing. Allele origin: germline. Affected: no.

Genome-Nilou Lab
Classification: Benign for Myopathy, myofibrillar, 9, with early respiratory failure. Last evaluated: 2021-09-10. Review status: criteria provided, single submitter. Criteria: ACMG Guidelines, 2015. Collection method: clinical testing. Allele origin: germline. Affected: no.

Genome-Nilou Lab
Classification: Benign for Early-onset myopathy with fatal cardiomyopathy. Last evaluated: 2021-09-10. Review status: criteria provided, single submitter. Criteria: ACMG Guidelines, 2015. Collection method: clinical testing. Allele origin: germline. Affected: no.

Genome-Nilou Lab
Classification: Benign for Tibial muscular dystrophy. Last evaluated: 2021-09-10. Review status: criteria provided, single submitter. Criteria: ACMG Guidelines, 2015. Collection method: clinical testing. Allele origin: germline. Affected: no.

Women's Health and Genetics/Laboratory Corporation of America, LabCorp
Classification: Likely benign. Last evaluated: 2020-01-06. Review status: criteria provided, single submitter. Criteria: LabCorp Variant Classification Summary - May 2015. Collection method: clinical testing. Allele origin: germline.

Illumina Laboratory Services, Illumina
Classification: Benign for Myopathy, myofibrillar, 9, with early respiratory failure. Last evaluated: 2018-01-13. Review status: criteria provided, single submitter. Criteria: ICSL Variant Classification Criteria 13 December 2019. Collection method: clinical testing. Allele origin: germline.
Comment: This variant was observed in the ICSL laboratory as part of a predisposition screen in an ostensibly healthy population. It had not been previously curated by ICSL or reported in the Human Gene Mutation Database (HGMD: prior to June 1st, 2018), and was therefore a candidate for classification through an automated scoring system. Utilizing variant allele frequency, disease prevalence and penetrance estimates, and inheritance mode, an automated score was calculated to assess if this variant is too frequent to cause the disease. Based on the score and internal cut-off values, a variant classified as benign is not then subjected to further curation. The score for this variant resulted in a classification of benign for this disease.

Illumina Laboratory Services, Illumina
Classification: Likely benign for Autosomal recessive limb-girdle muscular dystrophy type 2J. Last evaluated: 2018-01-13. Review status: criteria provided, single submitter. Criteria: ICSL Variant Classification Criteria 13 December 2019. Collection method: clinical testing. Allele origin: germline.
Comment: This variant was observed in the ICSL laboratory as part of a predisposition screen in an ostensibly healthy population. It had not been previously curated by ICSL or reported in the Human Gene Mutation Database (HGMD: prior to June 1st, 2018), and was therefore a candidate for classification through an automated scoring system. Utilizing variant allele frequency, disease prevalence and penetrance estimates, and inheritance mode, an automated score was calculated to assess if this variant is too frequent to cause the disease. Based on the score and internal cut-off values, a variant classified as likely benign is not then subjected to further curation. The score for this variant resulted in a classification of likely benign for this disease.

Illumina Laboratory Services, Illumina
Classification: Likely benign for Dilated cardiomyopathy 1G. Last evaluated: 2018-01-13. Review status: criteria provided, single submitter. Criteria: ICSL Variant Classification Criteria 13 December 2019. Collection method: clinical testing. Allele origin: germline.
Comment: the same text as in the submission from Illumina Laboratory Services, Illumina above.

Illumina Laboratory Services, Illumina
Classification: Benign for Tibial muscular dystrophy. Last evaluated: 2018-01-13. Review status: criteria provided, single submitter. Criteria: ICSL Variant Classification Criteria 13 December 2019. Collection method: clinical testing. Allele origin: germline.
Comment: the same text as in the submission from Illumina Laboratory Services, Illumina above.

Illumina Laboratory Services, Illumina
Classification: Likely benign for Early-onset myopathy with fatal cardiomyopathy. Last evaluated: 2018-01-13. Review status: criteria provided, single submitter. Criteria: ICSL Variant Classification Criteria 13 December 2019. Collection method: clinical testing. Allele origin: germline.
Comment: the same text as in the submission from Illumina Laboratory Services, Illumina above.

Center for Advanced Laboratory Medicine, UC San Diego Health, University of California San Diego
Classification: Benign for Dilated cardiomyopathy. Last evaluated: 2017-02-28. Review status: criteria provided, single submitter. Criteria: ACMG Guidelines, 2015. Collection method: clinical testing. Allele origin: germline. Affected: yes. Observed: 1 variant allele.

Ambry Genetics
Classification: Benign for Cardiovascular phenotype. Last evaluated: 2017-02-22. Review status: criteria provided, single submitter. Criteria: Ambry Variant Classification Scheme 2023. Collection method: clinical testing. Allele origin: germline.